The following is an entry in ClinVar:

NM_004260.4(RECQL4):c.2886-7G>A

Gene: RECQL4 (RecQ like helicase 4; minus strand). Cytogenetic location: 8q24.3.
Variant type: single nucleotide variant.
Coding change: c.2886-7G>A on transcript NM_004260.4 (MANE Select); 7 bases into the intron before coding-DNA position 2886, G replaced by A.
Molecular consequence: intron variant.
Genome position (GRCh38, 1-based): chr8:144,512,568, C>T on the plus strand (G>A on the coding strand, the complement: RECQL4 is on the minus strand). VCF-style: chr8-144512568-C-T. GRCh37 (hg19) VCF-style: chr8-145737951-C-T.
Identifiers: ClinVar variation 528935 (VCV000528935.5), dbSNP rs757341042, ClinGen allele CA4948014.

ClinVar aggregate classification (germline): Uncertain significance (1 of 4 stars; one submission).

Conditions:
Baller-Gerold syndrome (BGS). Also called: CRANIOSYNOSTOSIS WITH RADIAL DEFECTS. Identifiers: Orphanet 1225, MedGen C0265308, MONDO:0009039, OMIM 218600.

Allele frequency attached by ClinVar (database versions not stated): ExAC 0.00001.

Submission:

Labcorp Genetics (formerly Invitae), Labcorp
Classification: Uncertain significance for Baller-Gerold syndrome. Last evaluated: 2022-12-26. Review status: criteria provided, single submitter. Criteria: Invitae Variant Classification Sherloc (09022015). Collection method: clinical testing. Allele origin: germline.
Comment: This variant has not been reported in the literature in individuals affected with RECQL4-related conditions. In summary, the available evidence is currently insufficient to determine the role of this variant in disease. Therefore, it has been classified as a Variant of Uncertain Significance. Algorithms developed to predict the effect of sequence changes on RNA splicing suggest that this variant may create or strengthen a splice site. ClinVar contains an entry for this variant (Variation ID: 528935). This variant is not present in population databases (gnomAD no frequency). This sequence change falls in intron 16 of the RECQL4 gene. It does not directly change the encoded amino acid sequence of the RECQL4 protein.